The following is an entry in ClinVar:

ClinVar aggregate classification (germline): Likely benign. Review status: criteria provided, multiple submitters, no conflicts (2 of 4 stars). 2 submissions from 2 submitters: Likely benign (2). Last evaluated 2026-07-09.

Conditions:
NTRK2-related disorder. Also called: NTRK2-related condition.

Allele frequency attached by ClinVar (database versions not stated): TOPMed below 0.00001; ExAC 0.00001; gnomAD 0.00001; gnomAD exomes 0.00001.
gnomAD v4.1: 4 of 1,613,852 alleles (0.00025%); highest among the groups gnomAD compares: Admixed American, 0.0067%; no homozygotes.

Submissions (2):

PreventionGenetics, part of Exact Sciences
Classification: Likely benign for NTRK2-related condition. Last evaluated: 2026-07-09. Review status: criteria provided, single submitter. Criteria: ACMG Guidelines, 2015. Collection method: clinical testing. Allele origin: germline.
Comment: This variant is classified as likely benign based on ACMG/AMP sequence variant interpretation guidelines (Richards et al. 2015 PMID: 25741868, with internal and published modifications).

Labcorp Genetics (formerly Invitae), Labcorp
Classification: Likely benign. Last evaluated: 2025-12-11. Review status: criteria provided, single submitter. Criteria: Invitae Variant Classification Sherloc (09022015). Collection method: clinical testing. Allele origin: germline.

NM_006180.6(NTRK2):c.1344G>A (p.Leu448=)

Gene: NTRK2 (neurotrophic receptor tyrosine kinase 2; plus strand). Cytogenetic location: 9q21.33.
Variant type: single nucleotide variant.
Coding change: c.1344G>A on transcript NM_006180.6 (MANE Select); coding-DNA position 1344, G replaced by A.
Protein change: p.Leu448=; no amino-acid change (leucine 448 retained).
Molecular consequence: synonymous variant.
Genome position (GRCh38, 1-based): chr9:84,752,033, G>A. VCF-style: chr9-84752033-G-A. GRCh37 (hg19) VCF-style: chr9-87366948-G-A.
Other names: c.1344G>A (NM_006180.4); c.1344G>A, p.Leu448= (NM_001007097.3, NM_001018064.3, NM_001018065.2 and 16 more transcripts); c.1305G>A, p.Leu435= (NM_001291937.2, NM_001369546.1); c.1308G>A, p.Leu436= (NM_001369534.1); c.876G>A, p.Leu292= (NM_001369535.1, NM_001369536.1, NM_001369550.1 and 2 more transcripts).
Identifiers: ClinVar variation 1898063 (VCV001898063.6), dbSNP rs769197868, ClinGen allele CA5105719.